The following is an entry in ClinVar:

ClinVar aggregate classification (germline): Benign/Likely benign. Review status: criteria provided, multiple submitters, no conflicts (2 of 4 stars). 10 submissions from 10 submitters: Benign (3); Likely benign (2). 5 of the submissions do not count toward it. Last evaluated 2025-06-11.

Conditions:
Danon disease. Also called: ANTOPOL DISEASE; Glycogen Storage Disease Type IIb; PSEUDOGLYCOGENOSIS II; GSD IIb; LYSOSOMAL GLYCOGEN STORAGE DISEASE WITHOUT ACID MALTASE DEFICIENCY. Identifiers: Orphanet 34587, MedGen C0878677, MONDO:0010281, OMIM 300257.
Cardiomyopathy (CMYO). Also called: Cardiomyopathies. Identifiers: Orphanet 167848, MedGen C0878544, MONDO:0004994, HP:0001638. Inheritance: Various modes of inheritance.
Primary familial hypertrophic cardiomyopathy (HCM). Identifiers: Orphanet 99739, MedGen C0949658, MeSH D024741, MONDO:0024573. Inheritance: Various modes of inheritance.

Submissions (10):

ARUP Laboratories, Molecular Genetics and Genomics, ARUP Laboratories
Classification: Benign for Danon disease. Last evaluated: 2025-06-11. Review status: criteria provided, single submitter. Criteria: ARUP Molecular Germline Variant Investigation Process 2024. Collection method: clinical testing. Allele origin: germline.

Blueprint Genetics
Classification: Likely benign. Last evaluated: 2024-11-28. Review status: criteria provided, single submitter. Criteria: ACMG Guidelines, 2015. Collection method: clinical testing. Allele origin: germline.

GeneDx
Classification: Benign for Dannon Disease; cardiomyopathy. Last evaluated: 2012-12-04. Review status: criteria provided, single submitter. Criteria: GeneDx Variant Classification (06012015). Collection method: clinical testing. Allele origin: germline. Affected: yes.
Comment: The variant is found in HCM panel(s).

Laboratory for Molecular Medicine, Mass General Brigham Personalized Medicine
Classification: Likely benign. Last evaluated: 2011-08-23. Review status: criteria provided, single submitter. Criteria: LMM Criteria. Collection method: clinical testing. Allele origin: germline. Observed: 67 variant alleles.
Comment: -23_-15delGTCGCCGCC in exon 1 of LAMP2: This variant is located in the 5?untrans lated region (5?UTR) of the LAMP2 gene. It has not been reported in the literat ure but has been detected by our lab in at least 1% of individuals sequenced. A t this frequency this variant is most likely benign although we cannot exclude a modifying role.

PreventionGenetics, part of Exact Sciences
Classification: Benign. Review status: criteria provided, single submitter. Criteria: ACMG Guidelines, 2015. Collection method: clinical testing. Allele origin: germline.

Mayo Clinic Laboratories, Mayo Clinic
Classification: Likely benign. Last evaluated: 2017-04-18. Review status: no assertion criteria provided. Collection method: clinical testing. Allele origin: unknown. Not counted in ClinVar's aggregate classification.

Women's Health and Genetics/Laboratory Corporation of America, LabCorp
Classification: Benign for Hypertrophic Cardiomyopathy. Last evaluated: 2015-05-20. Review status: no assertion criteria provided. Collection method: clinical testing. Allele origin: germline. Not counted in ClinVar's aggregate classification.

Clinical Genetics, Academic Medical Center
Classification: Benign. Review status: no assertion criteria provided. Collection method: clinical testing. Allele origin: germline. Affected: yes. Study: VKGL Data-share Consensus. Not counted in ClinVar's aggregate classification.

Diagnostic Laboratory, Department of Genetics, University Medical Center Groningen
Classification: Benign for Danon disease. Review status: no assertion criteria provided. Collection method: clinical testing. Allele origin: germline. Affected: yes. Study: VKGL Data-share Consensus. Not counted in ClinVar's aggregate classification.

Joint Genome Diagnostic Labs from Nijmegen and Maastricht, Radboudumc and MUMC+
Classification: Benign. Review status: no assertion criteria provided. Collection method: clinical testing. Allele origin: germline. Affected: yes. Study: VKGL Data-share Consensus. Not counted in ClinVar's aggregate classification.

Literature cited by the submitters: PubMed 21415759 (cited by Laboratory for Molecular Medicine, Mass General Brigham Personalized Medicine).

NM_002294.3(LAMP2):c.-32GTCGCCGCC[1]

Gene: LAMP2 (lysosome associated membrane protein 2; minus strand). Cytogenetic location: Xq24.
Variant type: Microsatellite.
Coding change: c.-32GTCGCCGCC[1] on transcript NM_002294.3 (MANE Select); one copy of the 9-base unit GTCGCCGCC starting at c.-32; the reference has two copies in a row; one copy, 9 bases deleted.
Molecular consequence: 5 prime UTR variant.
Genome position (GRCh38, 1-based): chrX:120,469,184-120,469,192, GGCGGCGAC deleted on the plus strand (GTCGCCGCC on the coding strand, the reverse complement: LAMP2 is on the minus strand); deleting any 9 consecutive bases within chrX:120,469,184-120,469,208 gives the same sequence; the position shown is the placement nearest the transcript's 3' end. VCF-style (leftmost placement, unchanged base first): chrX-120469183-AGGCGGCGAC-A. GRCh37 (hg19) VCF-style: chrX-119603038-AGGCGGCGAC-A.
Other names: c.-39_-31delCGCCGCCGT (NM_001122606.1); c.-23_-15delGTCGCCGCC (NM_002294.2); c.-32GTCGCCGCC[1] (NM_001122606.1, NM_013995.2).
Identifiers: ClinVar variation 36440 (VCV000036440.25), dbSNP rs193922648, ClinGen allele CA134061.